The following is an entry in ClinVar:

NM_001458.5(FLNC):c.4315G>A (p.Asp1439Asn)

Gene: FLNC (filamin C; plus strand). Cytogenetic location: 7q32.1.
Variant type: single nucleotide variant.
Coding change: c.4315G>A on transcript NM_001458.5 (MANE Select); coding-DNA position 4315, G replaced by A.
Protein change: p.Asp1439Asn; replaces aspartic acid 1439 with asparagine.
Molecular consequence: missense variant.
Genome position (GRCh38, 1-based): chr7:128,847,723, G>A. VCF-style: chr7-128847723-G-A. GRCh37 (hg19) VCF-style: chr7-128487777-G-A.
Other names: c.4315G>A, p.Asp1439Asn (NM_001127487.2); short protein forms D1439N.
Identifiers: ClinVar variation 566796 (VCV000566796.10), dbSNP rs1562998835, ClinGen allele CA369201143.

ClinVar aggregate classification (germline): Uncertain significance (1 of 4 stars; one submission).

Conditions:
Distal myopathy with posterior leg and anterior hand involvement. Also called: WILLIAMS DISTAL MYOPATHY. Identifiers: Orphanet 63273, MedGen C3279722, MONDO:0013550, OMIM 614065.
Myofibrillar myopathy 5. Also called: FILAMINOPATHY, AUTOSOMAL DOMINANT; Filaminopathy (type). Identifiers: Orphanet 171445, MedGen C1836050, MONDO:0012289, OMIM 609524.
Hypertrophic cardiomyopathy 26. Also called: Cardiomyopathy, familial hypertrophic, 26. Identifiers: Orphanet 75249, MedGen C4310749, MONDO:0014883, OMIM 617047.

gnomAD v4.1: 7 of 1,614,154 alleles (0.00043%); highest among the groups gnomAD compares: Non-Finnish European, 0.00059%; no homozygotes.

Submission:

Labcorp Genetics (formerly Invitae), Labcorp
Classification: Uncertain significance for Distal myopathy with posterior leg and anterior hand involvement; Myofibrillar myopathy 5; Hypertrophic cardiomyopathy 26. Last evaluated: 2025-11-30. Review status: criteria provided, single submitter. Criteria: Invitae Variant Classification Sherloc (09022015). Collection method: clinical testing. Allele origin: germline.
Comment: This sequence change replaces aspartic acid, which is acidic and polar, with asparagine, which is neutral and polar, at codon 1439 of the FLNC protein (p.Asp1439Asn). This variant is not present in population databases (gnomAD no frequency). This variant has not been reported in the literature in individuals affected with FLNC-related conditions. ClinVar contains an entry for this variant (Variation ID: 566796). Invitae Evidence Modeling of protein sequence and biophysical properties (such as structural, functional, and spatial information, amino acid conservation, physicochemical variation, residue mobility, and thermodynamic stability) has been performed for this missense variant. However, the output from this modeling did not meet the statistical confidence thresholds required to predict the impact of this variant on FLNC protein function. In summary, the available evidence is currently insufficient to determine the role of this variant in disease. Therefore, it has been classified as a Variant of Uncertain Significance.